The following is an entry in ClinVar:

ClinVar aggregate classification (germline): Likely benign (0 of 4 stars; one submission).

Conditions:
TUB-related disorder. Also called: TUB-related condition.

Allele frequency attached by ClinVar (database versions not stated): gnomAD exomes below 0.00001.
gnomAD v4.1: 5 of 1,614,152 alleles (0.00031%); highest among the groups gnomAD compares: Non-Finnish European, 0.00042%; no homozygotes.

Submission:

PreventionGenetics, part of Exact Sciences
Classification: Likely benign for TUB-related condition. Last evaluated: 2022-11-23. Review status: no assertion criteria provided. Collection method: clinical testing. Allele origin: germline.
Comment: This variant is classified as likely benign based on ACMG/AMP sequence variant interpretation guidelines (Richards et al. 2015 PMID: 25741868, with internal and published modifications).

NM_177972.3(TUB):c.1377T>C (p.His459=)

Genes: RIC3 (RIC3 acetylcholine receptor chaperone; minus strand), TUB (TUB bipartite transcription factor; plus strand). Cytogenetic location: 11p15.4.
Variant type: single nucleotide variant.
Coding change: c.1377T>C on transcript NM_177972.3 (MANE Select); coding-DNA position 1377, T replaced by C.
Protein change: p.His459=; no amino-acid change (histidine 459 retained).
Molecular consequence: synonymous variant.
Genome position (GRCh38, 1-based): chr11:8,100,987, T>C. VCF-style: chr11-8100987-T-C. GRCh37 (hg19) VCF-style: chr11-8122534-T-C.
Other names: c.1542T>C, p.His514= (NM_003320.5).
Identifiers: ClinVar variation 3057768 (VCV003057768.2), dbSNP rs2133913122, ClinGen allele CA473252582.
Genomic context (GRCh38, chr11:8,100,987, plus strand): 5'-TGTACTCAACTTCCATGGGCGCGTCACACAGGCCTCCGTGAAGAACTTCCAGATCATCCA[T>C]GGCAATGACCGTGAGTGTTTCTGTCCCTACTCATTATGGTCCGTAGGATACCCAAGGCCC-3'
Protein context (NP_813977.1, residues 449-469): QASVKNFQII[His459=]GNDPDYIVMQ